The following is an entry in ClinVar:

ClinVar aggregate classification (germline): Uncertain significance (1 of 4 stars; one submission).

Submission:

Labcorp Genetics (formerly Invitae), Labcorp
Classification: Uncertain significance. Last evaluated: 2023-02-05. Review status: criteria provided, single submitter. Criteria: Invitae Variant Classification Sherloc (09022015). Collection method: clinical testing. Allele origin: germline.
Comment: In summary, the available evidence is currently insufficient to determine the role of this variant in disease. Therefore, it has been classified as a Variant of Uncertain Significance. Advanced modeling of protein sequence and biophysical properties (such as structural, functional, and spatial information, amino acid conservation, physicochemical variation, residue mobility, and thermodynamic stability) performed at Invitae indicates that this missense variant is not expected to disrupt DEAF1 protein function. This variant has not been reported in the literature in individuals affected with DEAF1-related conditions. This variant is not present in population databases (gnomAD no frequency). This sequence change replaces threonine, which is neutral and polar, with asparagine, which is neutral and polar, at codon 564 of the DEAF1 protein (p.Thr564Asn).

NM_021008.4(DEAF1):c.1691C>A (p.Thr564Asn)

Gene: DEAF1 (DEAF1 transcription factor; minus strand). Cytogenetic location: 11p15.5.
Variant type: single nucleotide variant.
Coding change: c.1691C>A on transcript NM_021008.4 (MANE Select); coding-DNA position 1691, C replaced by A.
Protein change: p.Thr564Asn; replaces threonine 564 with asparagine.
Molecular consequence: missense variant.
Genome position (GRCh38, 1-based): chr11:644,557, G>T on the plus strand (C>A on the coding strand, the complement: DEAF1 is on the minus strand). VCF-style: chr11-644557-G-T. GRCh37 (hg19) VCF-style: chr11-644557-G-T.
Other names: c.1466C>A, p.Thr489Asn (NM_001293634.2); c.965C>A, p.Thr322Asn (NM_001367390.1); short protein forms T564N, T322N, T489N.
Identifiers: ClinVar variation 2834890 (VCV002834890.3), dbSNP rs2494212282, ClinGen allele CA379012027.